The following is an entry in ClinVar:

NM_005051.3(QARS1):c.2064G>A (p.Glu688=)

Gene: QARS1 (glutaminyl-tRNA synthetase 1; minus strand). Cytogenetic location: 3p21.31.
Variant type: single nucleotide variant.
Coding change: c.2064G>A on transcript NM_005051.3 (MANE Select); coding-DNA position 2064, G replaced by A.
Protein change: p.Glu688=; no amino-acid change (glutamic acid 688 retained).
Molecular consequence: synonymous variant. On other transcripts: non-coding transcript variant (1).
Genome position (GRCh38, 1-based): chr3:49,098,373, C>T on the plus strand (G>A on the coding strand, the complement: QARS1 is on the minus strand). VCF-style: chr3-49098373-C-T. GRCh37 (hg19) VCF-style: chr3-49135806-C-T.
Other names: p.Glu688=; c.2031G>A, p.Glu677= (NM_001272073.2).
Identifiers: ClinVar variation 384953 (VCV000384953.38), dbSNP rs144316335, ClinGen allele CA2391547.

ClinVar aggregate classification (germline): Benign/Likely benign. Review status: criteria provided, multiple submitters, no conflicts (2 of 4 stars). 7 submissions from 7 submitters: Benign (2); Likely benign (4). 1 of the submissions does not count toward it. Last evaluated 2026-01-31.

Conditions:
Diffuse cerebral and cerebellar atrophy - intractable seizures - progressive microcephaly syndrome. Also called: Microcephaly, progressive, with seizures and cerebral and cerebellar atrophy. Identifiers: Orphanet 404437, MedGen C4014239, MONDO:0014335, OMIM 615760.
QARS1-related disorder. Also called: QARS1-related condition.

Allele frequency attached by ClinVar (database versions not stated): gnomAD exomes 0.00007 and 0.00020; ExAC 0.00029; gnomAD 0.00072; TOPMed 0.00086; ESP Exome Variant Server 0.00146; 1000 Genomes Project 0.00160; 1000 Genomes Project 30x 0.00187.

Submissions (7):

Labcorp Genetics (formerly Invitae), Labcorp
Classification: Benign for Diffuse cerebral and cerebellar atrophy - intractable seizures - progressive microcephaly syndrome. Last evaluated: 2026-01-31. Review status: criteria provided, single submitter. Criteria: Invitae Variant Classification Sherloc (09022015). Collection method: clinical testing. Allele origin: germline.

Mayo Clinic Laboratories, Mayo Clinic
Classification: Likely benign. Last evaluated: 2025-10-01. Review status: criteria provided, single submitter. Criteria: ACMG Guidelines, 2015. Collection method: clinical testing. Allele origin: germline. Observed: 1 variant allele.
Comment: BS1

Athena Diagnostics
Classification: Benign. Last evaluated: 2024-12-30. Review status: criteria provided, single submitter. Criteria: Athena Diagnostics Criteria. Collection method: clinical testing. Allele origin: unknown.
Comment: The frequency of this variant in the general population is higher than would generally be expected for pathogenic variants in this gene. Computational tools yielded predictions that this variant is unlikely to have an effect on normal RNA splicing. This nucleotide position exhibits low evolutionary conservation.

Women's Health and Genetics/Laboratory Corporation of America, LabCorp
Classification: Likely benign. Last evaluated: 2024-02-15. Review status: criteria provided, single submitter. Criteria: LabCorp Variant Classification Summary - May 2015. Collection method: clinical testing. Allele origin: germline.
Comment: Variant summary: QARS1 c.2064G>A alters a non-conserved nucleotide resulting in a synonymous change. Consensus agreement among computation tools predict no significant impact on normal splicing. However, these predictions have yet to be confirmed by functional studies. The variant allele was found at a frequency of 0.00013 in 1614232 control chromosomes, predominantly at a frequency of 0.0024 within the African or African-American subpopulation in the gnomAD database, including 1 homozygotes. To our knowledge, no occurrence of c.2064G>A in individuals affected with Diffuse Cerebral And Cerebellar Atrophy-Intractable Seizures-Progressive Microcephaly Syndrome and no experimental evidence demonstrating its impact on protein function have been reported. ClinVar contains an entry for this variant (Variation ID: 384953). Based on the evidence outlined above, the variant was classified as likely benign.

CeGaT Center for Human Genetics Tuebingen
Classification: Likely benign. Last evaluated: 2022-06-01. Review status: criteria provided, single submitter. Criteria: CeGaT Center For Human Genetics Tuebingen Variant Classification Criteria Version 2. Collection method: clinical testing. Allele origin: germline. Affected: yes. Observed: 1 variant allele.
Comment: QARS1: BP4, BP7

GeneDx
Classification: Likely benign. Last evaluated: 2021-10-19. Review status: criteria provided, single submitter. Criteria: GeneDx Variant Classification Process June 2021. Collection method: clinical testing. Allele origin: germline. Affected: yes.

PreventionGenetics, part of Exact Sciences
Classification: Likely benign for QARS1-related condition. Last evaluated: 2020-06-24. Review status: no assertion criteria provided. Collection method: clinical testing. Allele origin: germline. Not counted in ClinVar's aggregate classification.
Comment: This variant is classified as likely benign based on ACMG/AMP sequence variant interpretation guidelines (Richards et al. 2015 PMID: 25741868, with internal and published modifications).